The following is an entry in ClinVar:

ClinVar aggregate classification (germline): Pathogenic (1 of 4 stars; one submission).

Submission:

CeGaT Center for Human Genetics Tuebingen
Classification: Pathogenic. Last evaluated: 2026-05-01. Review status: criteria provided, single submitter. Criteria: CeGaT Center For Human Genetics Tuebingen Variant Classification Criteria Version 2. Collection method: clinical testing. Allele origin: germline. Affected: yes. Observed: 1 variant allele.
Comment: FAM149B1: PVS1, PM2

NM_173348.2(FAM149B1):c.1032_1033del (p.Cys345fs)

Gene: FAM149B1 (family with sequence similarity 149 member B1; plus strand). Cytogenetic location: 10q22.2.
Variant type: Microsatellite.
Coding change: c.1032_1033del on transcript NM_173348.2 (MANE Select); coding-DNA positions 1032 to 1033, 2 bases deleted (CT; older notation c.1032_1033delCT).
Protein change: p.Cys345fs; shifts the reading frame from cysteine 345.
Molecular consequence: frameshift variant.
Genome position (GRCh38, 1-based): chr10:73,230,430-73,230,431, CT deleted; deleting any 2 consecutive bases within chr10:73,230,427-73,230,431 gives the same sequence; the c. name uses the placement nearest the transcript's 3' end. VCF-style (leftmost placement, unchanged base first): chr10-73230426-GTC-G. GRCh37 (hg19) VCF-style: chr10-74990184-GTC-G.
Other names: short protein forms C345fs.
Identifiers: ClinVar variation 4873997 (VCV004873997.2).